The following is an entry in ClinVar:

ClinVar aggregate classification (germline): Uncertain significance. Review status: criteria provided, multiple submitters, no conflicts (2 of 4 stars). 3 submissions from 3 submitters: Uncertain significance (3). Last evaluated 2024-11-19.

Conditions:
Inborn genetic diseases. Identifiers: MedGen C0950123, MeSH D030342.

Allele frequency attached by ClinVar (database versions not stated): gnomAD exomes 0.00013 and 0.00001; TOPMed 0.00005; ExAC 0.00001; gnomAD 0.00006 and 0.00007.
gnomAD v4.1: 194 of 1,613,640 alleles (0.012%); highest among the groups gnomAD compares: Non-Finnish European, 0.016%; no homozygotes.

Submissions (3):

Mayo Clinic Laboratories, Mayo Clinic
Classification: Uncertain significance. Last evaluated: 2024-11-19. Review status: criteria provided, single submitter. Criteria: ACMG Guidelines, 2015. Collection method: clinical testing. Allele origin: germline. Observed: 1 variant allele.
Comment: BP4, PM2_supporting

Ambry Genetics
Classification: Uncertain significance for Inborn genetic diseases. Last evaluated: 2022-12-01. Review status: criteria provided, single submitter. Criteria: Ambry Variant Classification Scheme 2023. Collection method: clinical testing. Allele origin: germline.

Labcorp Genetics (formerly Invitae), Labcorp
Classification: Uncertain significance. Last evaluated: 2021-09-17. Review status: criteria provided, single submitter. Criteria: Invitae Variant Classification Sherloc (09022015). Collection method: clinical testing. Allele origin: germline.
Comment: This sequence change replaces glutamic acid with glutamine at codon 429 of the IARS2 protein (p.Glu429Gln). The glutamic acid residue is moderately conserved and there is a small physicochemical difference between glutamic acid and glutamine. This variant is present in population databases (rs750212035, ExAC 0.001%). This variant has not been reported in the literature in individuals affected with IARS2-related conditions. Algorithms developed to predict the effect of missense changes on protein structure and function (SIFT, PolyPhen-2, Align-GVGD) all suggest that this variant is likely to be tolerated. In summary, the available evidence is currently insufficient to determine the role of this variant in disease. Therefore, it has been classified as a Variant of Uncertain Significance.

NM_018060.4(IARS2):c.1285G>C (p.Glu429Gln)

Gene: IARS2 (isoleucyl-tRNA synthetase 2, mitochondrial; plus strand). Cytogenetic location: 1q41.
Variant type: single nucleotide variant.
Coding change: c.1285G>C on transcript NM_018060.4 (MANE Select); coding-DNA position 1285, G replaced by C.
Protein change: p.Glu429Gln; replaces glutamic acid 429 with glutamine.
Molecular consequence: missense variant.
Genome position (GRCh38, 1-based): chr1:220,107,109, G>C. VCF-style: chr1-220107109-G-C. GRCh37 (hg19) VCF-style: chr1-220280451-G-C.
Other names: p.Glu429Gln; c.1285G>C (NM_018060.3); short protein forms E429Q.
Identifiers: ClinVar variation 1437066 (VCV001437066.7), dbSNP rs750212035, ClinGen allele CA1401377.
Genomic context (GRCh38, chr1:220,107,109, plus strand): 5'-GATACTTTATAGGATTGTCTAGTGGACGAAGATGGAGTTTTCACAGATGTTGCAGGTCCT[G>C]AACTTCAAAACAAGGCTGTCCTTGAAGAGGGAACTGATGTGGGTGAGCATCATATCTGTT-3'
Protein context (NP_060530.3, residues 419-439): DGVFTDVAGP[Glu429Gln]LQNKAVLEEG